The following is an entry in ClinVar:

NM_001160148.2(DDHD1):c.245C>T (p.Pro82Leu)

Gene: DDHD1 (DDHD domain containing 1; minus strand). Cytogenetic location: 14q22.1.
Variant type: single nucleotide variant.
Coding change: c.245C>T on transcript NM_001160148.2 (MANE Select); coding-DNA position 245, C replaced by T.
Protein change: p.Pro82Leu; replaces proline 82 with leucine.
Molecular consequence: missense variant.
Genome position (GRCh38, 1-based): chr14:53,152,854, G>A on the plus strand (C>T on the coding strand, the complement: DDHD1 is on the minus strand). VCF-style: chr14-53152854-G-A. GRCh37 (hg19) VCF-style: chr14-53619572-G-A.
Other names: c.245C>T, p.Pro82Leu (NM_001160147.2, NM_030637.3); short protein forms P82L.
Identifiers: ClinVar variation 1485440 (VCV001485440.8), dbSNP rs1273114560, ClinGen allele CA389781262.

ClinVar aggregate classification (germline): Uncertain significance (1 of 4 stars; one submission).

Conditions:
Hereditary spastic paraplegia 28. Also called: Spastic paraplegia 28, autosomal recessive. Identifiers: Orphanet 101008, MedGen C1836295, MONDO:0012256, OMIM 609340.

Allele frequency attached by ClinVar (database versions not stated): TOPMed below 0.00001.
gnomAD v4.1: 1 of 1,611,906 alleles (0.000062%); highest among the groups gnomAD compares: Non-Finnish European, 0.000085%; no homozygotes.

Submission:

Labcorp Genetics (formerly Invitae), Labcorp
Classification: Uncertain significance for Hereditary spastic paraplegia 28. Last evaluated: 2020-12-03. Review status: criteria provided, single submitter. Criteria: Invitae Variant Classification Sherloc (09022015). Collection method: clinical testing. Allele origin: germline.
Comment: This variant is not present in population databases (ExAC no frequency). In summary, the available evidence is currently insufficient to determine the role of this variant in disease. Therefore, it has been classified as a Variant of Uncertain Significance. Algorithms developed to predict the effect of missense changes on protein structure and function (SIFT, PolyPhen-2, Align-GVGD) all suggest that this variant is likely to be tolerated, but these predictions have not been confirmed by published functional studies and their clinical significance is uncertain. This variant has not been reported in the literature in individuals with DDHD1-related conditions. This sequence change replaces proline with leucine at codon 82 of the DDHD1 protein (p.Pro82Leu). The proline residue is moderately conserved and there is a moderate physicochemical difference between proline and leucine.